The following is an entry in ClinVar:

ClinVar aggregate classification (germline): Uncertain significance (1 of 4 stars; one submission).

Allele frequency attached by ClinVar (database versions not stated): gnomAD exomes below 0.00001; ExAC 0.00001; gnomAD 0.00001; TOPMed 0.00002; ESP Exome Variant Server 0.00009.
gnomAD v4.1: 2 of 1,188,231 alleles (0.00017%); highest among the groups gnomAD compares: African/African-American, 0.0036%; no homozygotes.

Submission:

Labcorp Genetics (formerly Invitae), Labcorp
Classification: Uncertain significance. Last evaluated: 2023-04-04. Review status: criteria provided, single submitter. Criteria: Invitae Variant Classification Sherloc (09022015). Collection method: clinical testing. Allele origin: germline.
Comment: Advanced modeling of protein sequence and biophysical properties (such as structural, functional, and spatial information, amino acid conservation, physicochemical variation, residue mobility, and thermodynamic stability) performed at Invitae indicates that this missense variant is not expected to disrupt STAG2 protein function. This sequence change replaces isoleucine, which is neutral and non-polar, with threonine, which is neutral and polar, at codon 794 of the STAG2 protein (p.Ile794Thr). This variant is present in population databases (rs149551481, gnomAD 0.009%). This variant has not been reported in the literature in individuals affected with STAG2-related conditions. In summary, the available evidence is currently insufficient to determine the role of this variant in disease. Therefore, it has been classified as a Variant of Uncertain Significance.

NM_001042750.2(STAG2):c.2381T>C (p.Ile794Thr)

Gene: STAG2 (STAG2 cohesin complex component; plus strand). Cytogenetic location: Xq25.
Variant type: single nucleotide variant.
Coding change: c.2381T>C on transcript NM_001042750.2 (MANE Select); coding-DNA position 2381, T replaced by C.
Protein change: p.Ile794Thr; replaces isoleucine 794 with threonine.
Molecular consequence: missense variant.
Genome position (GRCh38, 1-based): chrX:124,071,171, T>C. VCF-style: chrX-124071171-T-C. GRCh37 (hg19) VCF-style: chrX-123205021-T-C.
Other names: c.2381T>C, p.Ile794Thr (NM_001042749.2, NM_001042751.2, NM_001282418.2 and 13 more transcripts); short protein forms I794T.
Identifiers: ClinVar variation 2801697 (VCV002801697.3), dbSNP rs149551481, ClinGen allele CA10509007.